The following is an entry in ClinVar:

NM_004415.4(DSP):c.7956G>A (p.Glu2652=)

Gene: DSP (desmoplakin; plus strand). Cytogenetic location: 6p24.3.
Variant type: single nucleotide variant.
Coding change: c.7956G>A on transcript NM_004415.4 (MANE Select); coding-DNA position 7956, G replaced by A.
Protein change: p.Glu2652=; no amino-acid change (glutamic acid 2652 retained).
Molecular consequence: synonymous variant.
Genome position (GRCh38, 1-based): chr6:7,585,218, G>A. VCF-style: chr6-7585218-G-A. GRCh37 (hg19) VCF-style: chr6-7585451-G-A.
Other names: c.6159G>A, p.Glu2053= (NM_001008844.3); c.6627G>A, p.Glu2209= (NM_001319034.2).
Identifiers: ClinVar variation 3073414 (VCV003073414.1), dbSNP rs759771417, ClinGen allele CA051221.
Genomic context (GRCh38, chr6:7,585,218, plus strand): 5'-CATTACAGAAGGTATAGAGCGGGGCATCGTTGACAGCATCACGGGTCAGAGGCTTCTGGA[G>A]GCTCAGGCCTGCACAGGTGGCATCATCCACCCAACCACGGGCCAGAAGCTGTCACTTCAG-3'
Protein context (NP_004406.2, residues 2642-2662): VDSITGQRLL[Glu2652=]AQACTGGIIH

ClinVar aggregate classification (germline): Likely benign (1 of 4 stars; one submission).

Conditions:
Arrhythmogenic cardiomyopathy with wooly hair and keratoderma. Also called: PALMOPLANTAR KERATODERMA WITH LEFT VENTRICULAR CARDIOMYOPATHY AND WOOLLY HAIR; Carvajal syndrome; Dilated cardiomyopathy with woolly hair and keratoderma; Arrhythmogenic cardiomyopathy with woolly hair and keratoderma. Identifiers: Orphanet 65282, MedGen C1854063, MONDO:0011581, OMIM 605676.

Allele frequency attached by ClinVar (database versions not stated): gnomAD exomes below 0.00001; TOPMed below 0.00001; ExAC 0.00001; gnomAD 0.00001.
gnomAD v4.1: 3 of 1,614,034 alleles (0.00019%); highest among the groups gnomAD compares: Non-Finnish European, 0.00025%; no homozygotes.

Submission:

All of Us Research Program, National Institutes of Health
Classification: Likely benign for Arrhythmogenic cardiomyopathy with wooly hair and keratoderma. Last evaluated: 2023-09-17. Review status: criteria provided, single submitter. Criteria: ACMG Guidelines, 2015. Collection method: clinical testing. Allele origin: germline. Inheritance: Autosomal dominant inheritance. Observed: 1 variant allele, 1 heterozygote.
Comment: This study involves interpretation of variants in research participants for the purpose of population health screening. Participant phenotype was not available at the time of variant classification. Additional details can be found in publication PMID: 35346344, PMCID: PMC8962531